The following is an entry in ClinVar:

NC_012920.1(MT-CO1):m.6897A>G

Gene: MT-CO1 (mitochondrially encoded cytochrome c oxidase I; plus strand).
Variant type: single nucleotide variant.
Genome position: chrM-6897-A-G.
Identifiers: ClinVar variation 692681 (VCV000692681.1), dbSNP rs1603220675, ClinGen allele CA414787086.

ClinVar aggregate classification (germline): Uncertain significance (1 of 4 stars; one submission).

Conditions:
Leigh syndrome (NULS). Also called: Leigh's necrotizing encephalopathy; Leigh's disease; Leigh Syndrome (mtDNA deletion); Leigh Disease; Subacute necrotizing encephalopathy; Necrotizing encephalopathy infantile subacute of Leigh. Identifiers: Orphanet 506, MedGen C2931891, MONDO:0009723, OMIM 256000.

Submission:

Wong Mito Lab, Molecular and Human Genetics, Baylor College of Medicine
Classification: Uncertain significance for Leigh syndrome. Last evaluated: 2019-10-17. Review status: criteria provided, single submitter. Criteria: Modified ACMG Guidelines (Unpublished). Collection method: clinical testing. Allele origin: germline.
Comment: The NC_012920.1:m.6897A>G (YP_003024028.1:p.Met332Val) variant in MTCO1 gene is interpretated to be a Uncertain Significance variant based on the modified ACMG guidelines (unpublished). This variant meets the following evidence codes: PP7, BP4